The following is an entry in ClinVar:

ClinVar aggregate classification (germline): Likely benign. Review status: criteria provided, multiple submitters, no conflicts (2 of 4 stars). 2 submissions from 2 submitters: Likely benign (2). Last evaluated 2025-05-06.

Allele frequency attached by ClinVar (database versions not stated): ExAC 0.00001; gnomAD 0.00001; gnomAD exomes 0.00003.
gnomAD v4.1: 21 of 1,614,074 alleles (0.0013%); highest among the groups gnomAD compares: Non-Finnish European, 0.0017%; no homozygotes.

Submissions (2):

Labcorp Genetics (formerly Invitae), Labcorp
Classification: Likely benign. Last evaluated: 2025-05-06. Review status: criteria provided, single submitter. Criteria: Invitae Variant Classification Sherloc (09022015). Collection method: clinical testing. Allele origin: germline.

CeGaT Center for Human Genetics Tuebingen
Classification: Likely benign. Last evaluated: 2022-12-01. Review status: criteria provided, single submitter. Criteria: CeGaT Center For Human Genetics Tuebingen Variant Classification Criteria Version 2. Collection method: clinical testing. Allele origin: germline. Affected: yes. Observed: 1 variant allele.
Comment: NIN: BP4, BP7

NM_020921.4(NIN):c.5577C>G (p.Leu1859=)

Gene: NIN (ninein; minus strand). Cytogenetic location: 14q22.1.
Variant type: single nucleotide variant.
Coding change: c.5577C>G on transcript NM_020921.4 (MANE Select); coding-DNA position 5577, C replaced by G.
Protein change: p.Leu1859=; no amino-acid change (leucine 1859 retained).
Molecular consequence: synonymous variant.
Genome position (GRCh38, 1-based): chr14:50,739,359, G>C on the plus strand (C>G on the coding strand, the complement: NIN is on the minus strand). VCF-style: chr14-50739359-G-C. GRCh37 (hg19) VCF-style: chr14-51206077-G-C.
Other names: c.3438C>G, p.Leu1146= (NM_016350.5); c.5577C>G, p.Leu1859= (NM_182944.3, NM_182946.2).
Identifiers: ClinVar variation 1879277 (VCV001879277.31), dbSNP rs769774186, ClinGen allele CA7181233.